The following is an entry in ClinVar:

ClinVar aggregate classification (germline): Uncertain significance (1 of 4 stars; one submission).

Conditions:
Carnitine palmitoyltransferase II deficiency. Also called: Carnitine Palmitoyltransferase 2 Deficiency. Identifiers: Orphanet 157, MedGen C0342790, MONDO:0015515.

Allele frequency attached by ClinVar (database versions not stated): TOPMed below 0.00001; gnomAD exomes 0.00001 and 0.00002; ExAC 0.00002.
gnomAD v4.1: 22 of 1,614,134 alleles (0.0014%); highest among the groups gnomAD compares: Middle Eastern, 0.016%; no homozygotes.

Submission:

Labcorp Genetics (formerly Invitae), Labcorp
Classification: Uncertain significance for Carnitine palmitoyltransferase II deficiency. Last evaluated: 2021-08-26. Review status: criteria provided, single submitter. Criteria: Invitae Variant Classification Sherloc (09022015). Collection method: clinical testing. Allele origin: germline.
Comment: This sequence change replaces isoleucine with threonine at codon 263 of the CPT2 protein (p.Ile263Thr). The isoleucine residue is moderately conserved and there is a moderate physicochemical difference between isoleucine and threonine. This variant is present in population databases (rs775793760, ExAC 0.01%). This variant has not been reported in the literature in individuals affected with CPT2-related conditions. Algorithms developed to predict the effect of missense changes on protein structure and function (SIFT, PolyPhen-2, Align-GVGD) all suggest that this variant is likely to be disruptive. In summary, the available evidence is currently insufficient to determine the role of this variant in disease. Therefore, it has been classified as a Variant of Uncertain Significance.

NM_000098.3(CPT2):c.788T>C (p.Ile263Thr)

Gene: CPT2 (carnitine palmitoyltransferase 2; plus strand). Cytogenetic location: 1p32.3.
Variant type: single nucleotide variant.
Coding change: c.788T>C on transcript NM_000098.3 (MANE Select); coding-DNA position 788, T replaced by C.
Protein change: p.Ile263Thr; replaces isoleucine 263 with threonine.
Molecular consequence: missense variant.
Genome position (GRCh38, 1-based): chr1:53,210,462, T>C. VCF-style: chr1-53210462-T-C. GRCh37 (hg19) VCF-style: chr1-53676134-T-C.
Other names: c.788T>C, p.Ile263Thr (NM_001330589.2); short protein forms I263T.
Identifiers: ClinVar variation 1362426 (VCV001362426.5), dbSNP rs775793760, ClinGen allele CA859048.